The following is an entry in ClinVar:

NM_001267550.2(TTN):c.95219T>C (p.Ile31740Thr)

Genes: TTN (titin; minus strand), TTN-AS1 (TTN antisense RNA 1; plus strand). Cytogenetic location: 2q31.2.
Variant type: single nucleotide variant.
Coding change: c.95219T>C on transcript NM_001267550.2 (MANE Select); coding-DNA position 95219, T replaced by C.
Protein change: p.Ile31740Thr; replaces isoleucine 31740 with threonine.
Molecular consequence: missense variant.
Genome position (GRCh38, 1-based): chr2:178,546,017, A>G on the plus strand (T>C on the coding strand, the complement: TTN is on the minus strand). VCF-style: chr2-178546017-A-G. GRCh37 (hg19) VCF-style: chr2-179410744-A-G.
Other names: c.90296T>C, p.Ile30099Thr (NM_001256850.1); c.68024T>C, p.Ile22675Thr (NM_003319.4); c.87515T>C, p.Ile29172Thr (NM_133378.4); c.68399T>C, p.Ile22800Thr (NM_133432.3); c.68600T>C, p.Ile22867Thr (NM_133437.4); short protein forms I22800T, I30099T, I22675T, I22867T, I29172T, I31740T.
Identifiers: ClinVar variation 1385859 (VCV001385859.8), dbSNP rs200781956, ClinGen allele CA1986989.
Genomic context (GRCh38, chr2:178,546,017, plus strand): 5'-CCTTCAACAATCACCCAGTTGAGCCTGCTAGTCTCGCGTCTTTCCACGATGTAGTGAGTG[A>G]TTTCTGCTCCTCCGTCTTCCTGCGGAAGGCTCCAGGCTAAAGTGCACTTCTCCTGTGTTA-3'
Protein context (NP_001254479.2, residues 31730-31750): SLPQEDGGAE[Ile31740Thr]THYIVERRET

ClinVar aggregate classification (germline): Uncertain significance (1 of 4 stars; one submission).

Conditions:
Dilated cardiomyopathy 1G (CMD1G). Identifiers: Orphanet 154, MedGen C1858763, MONDO:0011400, OMIM 604145.
Autosomal recessive limb-girdle muscular dystrophy type 2J (LGMDR10). Also called: Limb-girdle muscular dystrophy, type 2J; MUSCULAR DYSTROPHY, LIMB-GIRDLE, AUTOSOMAL RECESSIVE 10. Identifiers: Orphanet 140922, MedGen C1837342, MONDO:0012127, OMIM 608807.

Allele frequency attached by ClinVar (database versions not stated): ExAC 0.00001; gnomAD 0.00001; gnomAD exomes 0.00001; TOPMed 0.00002; ESP Exome Variant Server 0.00016.
gnomAD v4.1: 1 of 1,613,678 alleles (0.000062%); highest among the groups gnomAD compares: African/African-American, 0.0013%; no homozygotes.

Submission:

Labcorp Genetics (formerly Invitae), Labcorp
Classification: Uncertain significance for Dilated cardiomyopathy 1G; Autosomal recessive limb-girdle muscular dystrophy type 2J. Last evaluated: 2025-03-29. Review status: criteria provided, single submitter. Criteria: Invitae Variant Classification Sherloc (09022015). Collection method: clinical testing. Allele origin: germline.
Comment: This sequence change replaces isoleucine, which is neutral and non-polar, with threonine, which is neutral and polar, at codon 31740 of the TTN protein (p.Ile31740Thr). This variant is present in population databases (rs200781956, gnomAD 0.007%). This variant has not been reported in the literature in individuals affected with TTN-related conditions. ClinVar contains an entry for this variant (Variation ID: 1385859). Experimental studies and prediction algorithms are not available or were not evaluated, and the functional significance of this variant is currently unknown. This variant is located in the A band of TTN (PMID: 25589632). Variants in this region may be relevant for cardiac or neuromuscular disorders (PMID: 25589632, 23975875). In summary, the available evidence is currently insufficient to determine the role of this variant in disease. Therefore, it has been classified as a Variant of Uncertain Significance.

Literature cited by the submitters: PubMed 25589632; PubMed 23975875.